The following is an entry in ClinVar:

ClinVar aggregate classification (germline): Uncertain significance (1 of 4 stars; one submission).

Submission:

Labcorp Genetics (formerly Invitae), Labcorp
Classification: Uncertain significance. Last evaluated: 2022-05-04. Review status: criteria provided, single submitter. Criteria: Invitae Variant Classification Sherloc (09022015). Collection method: clinical testing. Allele origin: germline.
Comment: This variant results in a copy number gain of the genomic region encompassing exon(s) 1-2 of the LOXHD1 gene. This region includes the initiator codon of the gene. This copy number gain extends beyond the assayed region for this gene and therefore may encompass additional genes. As the precise location of this event is unknown, it may be in tandem or it may be located elsewhere in the genome. This variant has not been reported in the literature in individuals affected with LOXHD1-related conditions. In summary, the available evidence is currently insufficient to determine the role of this variant in disease. Therefore, it has been classified as a Variant of Uncertain Significance.

NC_000018.9:g.(?_44229098)_(44236996_?)dup

Gene: LOXHD1 (lipoxygenase homology PLAT domains 1; minus strand). Cytogenetic location: 18q21.1.
Variant type: Duplication.
Identifiers: ClinVar variation 1445343 (VCV001445343.4).